The following is an entry in ClinVar:

ClinVar aggregate classification (germline): Likely benign (1 of 4 stars; one submission).

Conditions:
Malignant hyperthermia, susceptibility to, 1 (MHS1). Also called: RYR1-Related Malignant Hyperthermia Susceptibility; Anesthesia related hyperthermia; Malignant hyperpyrexia; Fulminating hyperpyrexia; Pharmacogenic myopathy; Malignant hyperthermia suceptibility 1. Identifiers: Orphanet 423, MedGen C2930980, MONDO:0007783, OMIM 145600.

Submission:

All of Us Research Program, National Institutes of Health
Classification: Likely benign for Malignant hyperthermia, susceptibility to, 1. Last evaluated: 2023-03-09. Review status: criteria provided, single submitter. Criteria: ACMG Guidelines, 2015. Collection method: clinical testing. Allele origin: germline. Inheritance: Autosomal dominant inheritance. Observed: 1 variant allele, 1 heterozygote.
Comment: This study involves interpretation of variants in research participants for the purpose of population health screening. Participant phenotype was not available at the time of variant classification. Additional details can be found in publication PMID: 35346344, PMCID: PMC8962531

NM_000540.3(RYR1):c.6135G>A (p.Gln2045=)

Gene: RYR1 (ryanodine receptor 1; plus strand). Cytogenetic location: 19q13.2.
Variant type: single nucleotide variant.
Coding change: c.6135G>A on transcript NM_000540.3 (MANE Select); coding-DNA position 6135, G replaced by A.
Protein change: p.Gln2045=; no amino-acid change (glutamine 2045 retained).
Molecular consequence: synonymous variant.
Genome position (GRCh38, 1-based): chr19:38,492,497, G>A. VCF-style: chr19-38492497-G-A. GRCh37 (hg19) VCF-style: chr19-38983137-G-A.
Other names: c.6135G>A, p.Gln2045= (NM_001042723.2).
Identifiers: ClinVar variation 3069823 (VCV003069823.1), dbSNP rs2514264563, ClinGen allele CA507241386.